The following is an entry in ClinVar:

NM_022124.6(CDH23):c.4787G>A (p.Arg1596His)

Gene: CDH23 (cadherin related 23; plus strand). Cytogenetic location: 10q22.1.
Variant type: single nucleotide variant.
Coding change: c.4787G>A on transcript NM_022124.6 (MANE Select); coding-DNA position 4787, G replaced by A.
Protein change: p.Arg1596His; replaces arginine 1596 with histidine.
Molecular consequence: missense variant.
Genome position (GRCh38, 1-based): chr10:71,741,863, G>A. VCF-style: chr10-71741863-G-A. GRCh37 (hg19) VCF-style: chr10-73501620-G-A.
Other names: short protein forms R1596H.
Identifiers: ClinVar variation 1302121 (VCV001302121.4), dbSNP rs553571175, ClinGen allele CA5545153.

ClinVar aggregate classification (germline): Uncertain significance. Review status: criteria provided, multiple submitters, no conflicts (2 of 4 stars). 3 submissions from 3 submitters: Uncertain significance (3). Last evaluated 2022-08-23.

Conditions:
Inborn genetic diseases. Identifiers: MedGen C0950123, MeSH D030342.

Allele frequency attached by ClinVar (database versions not stated): 1000 Genomes Project 0.00020; gnomAD 0.00002; TOPMed 0.00002; gnomAD exomes 0.00006; ExAC 0.00015; 1000 Genomes Project 30x 0.00016.
gnomAD v4.1: 34 of 1,610,668 alleles (0.0021%); highest among the groups gnomAD compares: African/African-American, 0.004%; no homozygotes.

Submissions (3):

Labcorp Genetics (formerly Invitae), Labcorp
Classification: Uncertain significance. Last evaluated: 2022-08-23. Review status: criteria provided, single submitter. Criteria: Invitae Variant Classification Sherloc (09022015). Collection method: clinical testing. Allele origin: germline.
Comment: This sequence change replaces arginine, which is basic and polar, with histidine, which is basic and polar, at codon 1596 of the CDH23 protein (p.Arg1596His). This variant is present in population databases (rs553571175, gnomAD 0.01%). This variant has not been reported in the literature in individuals affected with CDH23-related conditions. ClinVar contains an entry for this variant (Variation ID: 1302121). Algorithms developed to predict the effect of missense changes on protein structure and function output the following: SIFT: "Deleterious"; PolyPhen-2: "Not Available"; Align-GVGD: "Class C25". The histidine amino acid residue is found in multiple mammalian species, which suggests that this missense change does not adversely affect protein function. In summary, the available evidence is currently insufficient to determine the role of this variant in disease. Therefore, it has been classified as a Variant of Uncertain Significance.

Ambry Genetics
Classification: Uncertain significance for Inborn genetic diseases. Last evaluated: 2021-09-01. Review status: criteria provided, single submitter. Criteria: Ambry Variant Classification Scheme 2023. Collection method: clinical testing. Allele origin: germline.

GeneDx
Classification: Uncertain significance. Last evaluated: 2019-06-25. Review status: criteria provided, single submitter. Criteria: GeneDx Variant Classification Process June 2021. Collection method: clinical testing. Allele origin: germline. Affected: yes.
Comment: In silico analysis, which includes protein predictors and evolutionary conservation, supports that this variant does not alter protein structure/function; Has not been previously published as pathogenic or benign to our knowledge